The following is an entry in ClinVar:

ClinVar aggregate classification (germline): Conflicting classifications of pathogenicity. Review status: criteria provided, conflicting classifications (1 of 4 stars). 6 submissions from 6 submitters: Uncertain significance (5); Likely benign (1). Last evaluated 2024-08-10.

Conditions:
Inborn genetic diseases. Identifiers: MedGen C0950123, MeSH D030342.
Cornelia de Lange syndrome 1 (CDLS1). Also called: Brachmann de Lange syndrome; NIPBL-Related Cornelia de Lange Syndrome; TYPUS DEGENERATIVUS AMSTELODAMENSIS. Identifiers: Orphanet 199, MedGen C4551851, MONDO:0007387, OMIM 122470.

Allele frequency attached by ClinVar (database versions not stated): gnomAD exomes below 0.00001; gnomAD 0.00003 and 0.00004; TOPMed 0.00004.
gnomAD v4.1: 10 of 1,613,870 alleles (0.00062%); highest among the groups gnomAD compares: African/African-American, 0.0027%; no homozygotes.

Submissions (6):

Labcorp Genetics (formerly Invitae), Labcorp
Classification: Uncertain significance for Cornelia de Lange syndrome 1. Last evaluated: 2024-08-10. Review status: criteria provided, single submitter. Criteria: Invitae Variant Classification Sherloc (09022015). Collection method: clinical testing. Allele origin: germline.
Comment: This sequence change replaces serine, which is neutral and polar, with cysteine, which is neutral and slightly polar, at codon 2803 of the NIPBL protein (p.Ser2803Cys). This variant is present in population databases (rs587784058, gnomAD 0.003%). This variant has not been reported in the literature in individuals affected with NIPBL-related conditions. ClinVar contains an entry for this variant (Variation ID: 159247). Advanced modeling of protein sequence and biophysical properties (such as structural, functional, and spatial information, amino acid conservation, physicochemical variation, residue mobility, and thermodynamic stability) has been performed at Invitae for this missense variant, however the output from this modeling did not meet the statistical confidence thresholds required to predict the impact of this variant on NIPBL protein function. In summary, the available evidence is currently insufficient to determine the role of this variant in disease. Therefore, it has been classified as a Variant of Uncertain Significance.

Fulgent Genetics
Classification: Uncertain significance for Cornelia de Lange syndrome 1. Last evaluated: 2024-02-02. Review status: criteria provided, single submitter. Criteria: ACMG Guidelines, 2015. Collection method: clinical testing. Allele origin: germline.

Genome-Nilou Lab
Classification: Uncertain significance for Cornelia de Lange syndrome 1. Last evaluated: 2021-07-15. Review status: criteria provided, single submitter. Criteria: ACMG Guidelines, 2015. Collection method: clinical testing. Allele origin: germline. Affected: no.

Ambry Genetics
Classification: Uncertain significance for Inborn genetic diseases. Last evaluated: 2018-09-22. Review status: criteria provided, single submitter. Criteria: Ambry Variant Classification Scheme 2023. Collection method: clinical testing. Allele origin: germline.
Comment: The p.S2803C variant (also known as c.8408C>G), located in coding exon 46 of the NIPBL gene, results from a C to G substitution at nucleotide position 8408. The serine at codon 2803 is replaced by cysteine, an amino acid with dissimilar properties. This amino acid position is well conserved in available vertebrate species. In addition, the in silico prediction for this alteration is inconclusive. Since supporting evidence is limited at this time, the clinical significance of this alteration remains unclear.

Illumina Laboratory Services, Illumina
Classification: Uncertain significance for Cornelia de Lange syndrome 1. Last evaluated: 2018-01-12. Review status: criteria provided, single submitter. Criteria: ICSL Variant Classification Criteria 13 December 2019. Collection method: clinical testing. Allele origin: germline.

Genetic Services Laboratory, University of Chicago
Classification: Likely benign. Last evaluated: 2013-02-08. Review status: criteria provided, single submitter. Criteria: ACMG Guidelines, 2007. Collection method: clinical testing. Allele origin: germline. Inheritance: Autosomal dominant inheritance.

NM_133433.4(NIPBL):c.8408C>G (p.Ser2803Cys)

Gene: NIPBL (NIPBL cohesin loading factor; plus strand). Cytogenetic location: 5p13.2.
Variant type: single nucleotide variant.
Coding change: c.8408C>G on transcript NM_133433.4 (MANE Select); coding-DNA position 8408, C replaced by G.
Protein change: p.Ser2803Cys; replaces serine 2803 with cysteine.
Molecular consequence: missense variant. On other transcripts: 3 prime UTR variant (1).
Genome position (GRCh38, 1-based): chr5:37,064,885, C>G. VCF-style: chr5-37064885-C-G. GRCh37 (hg19) VCF-style: chr5-37064987-C-G.
Other names: c.*862C>G (NM_015384.5); short protein forms S2803C.
Identifiers: ClinVar variation 159247 (VCV000159247.16), dbSNP rs587784058, ClinGen allele CA172764.